The following is an entry in ClinVar:

ClinVar aggregate classification (germline): Uncertain significance (1 of 4 stars; one submission).

gnomAD v4.1: 2 of 1,613,172 alleles (0.00012%); highest among the groups gnomAD compares: East Asian, 0.0045%; no homozygotes.

Submission:

Labcorp Genetics (formerly Invitae), Labcorp
Classification: Uncertain significance. Last evaluated: 2024-05-21. Review status: criteria provided, single submitter. Criteria: Invitae Variant Classification Sherloc (09022015). Collection method: clinical testing. Allele origin: germline.
Comment: This sequence change replaces alanine, which is neutral and non-polar, with glycine, which is neutral and non-polar, at codon 700 of the CLCN6 protein (p.Ala700Gly). This variant is present in population databases (rs773792256, gnomAD 0.02%). This variant has not been reported in the literature in individuals affected with CLCN6-related conditions. Algorithms developed to predict the effect of missense changes on protein structure and function output the following: SIFT: "Not Available"; PolyPhen-2: "Benign"; Align-GVGD: "Not Available". The glycine amino acid residue is found in multiple mammalian species, which suggests that this missense change does not adversely affect protein function. In summary, the available evidence is currently insufficient to determine the role of this variant in disease. Therefore, it has been classified as a Variant of Uncertain Significance.

NM_001286.5(CLCN6):c.2099C>G (p.Ala700Gly)

Gene: CLCN6 (chloride voltage-gated channel 6; plus strand). Cytogenetic location: 1p36.22.
Variant type: single nucleotide variant.
Coding change: c.2099C>G on transcript NM_001286.5 (MANE Select); coding-DNA position 2099, C replaced by G.
Protein change: p.Ala700Gly; replaces alanine 700 with glycine.
Molecular consequence: missense variant. On other transcripts: non-coding transcript variant (1).
Genome position (GRCh38, 1-based): chr1:11,837,117, C>G. VCF-style: chr1-11837117-C-G. GRCh37 (hg19) VCF-style: chr1-11897174-C-G.
Other names: c.2033C>G, p.Ala678Gly (NM_001256959.2); short protein forms A700G, A678G.
Identifiers: ClinVar variation 3647816 (VCV003647816.2).